The following is an entry in ClinVar:

ClinVar aggregate classification (germline): Likely benign. Review status: criteria provided, multiple submitters, no conflicts (2 of 4 stars). 2 submissions from 2 submitters: Likely benign (2). Last evaluated 2018-06-14.

Allele frequency attached by ClinVar (database versions not stated): TOPMed 0.00607; gnomAD 0.00682 and 0.00686; 1000 Genomes Project 30x 0.00297; 1000 Genomes Project 0.00319.
gnomAD v4.1: 5,337 of 696,766 alleles (0.77%); highest among the groups gnomAD compares: Middle Eastern, 1%; 33 homozygotes.

Submissions (2):

GeneDx
Classification: Likely benign. Last evaluated: 2018-06-14. Review status: criteria provided, single submitter. Criteria: GeneDx Variant Classification (06012015). Collection method: clinical testing. Allele origin: germline. Affected: yes.
Comment: This variant is considered likely benign or benign based on one or more of the following criteria: it is a conservative change, it occurs at a poorly conserved position in the protein, it is predicted to be benign by multiple in silico algorithms, and/or has population frequency not consistent with disease.

Breakthrough Genomics
Classification: Likely benign. Review status: criteria provided, single submitter. Criteria: ACMG Guidelines, 2015. Collection method: not provided. Allele origin: germline. Inheritance: Unknown mechanism. Affected: yes.

NM_000290.3(PGAM2):c.-164C>T

Genes: PGAM2 (phosphoglycerate mutase 2; minus strand), DBNL (drebrin like; plus strand). Cytogenetic location: 7p13.
Variant type: single nucleotide variant.
Coding change: c.-164C>T on transcript NM_000290.3; 164 bases upstream of the start codon, C replaced by T.
Molecular consequence: 3 prime UTR variant (on NM_001014436.3).
Genome position (GRCh38, 1-based): chr7:44,065,693, G>A on the plus strand (C>T on the coding strand, the complement: PGAM2 is on the minus strand). VCF-style: chr7-44065693-G-A. GRCh37 (hg19) VCF-style: chr7-44105292-G-A.
Other names: c.*4777G>A (NM_001014436.3, NM_001122956.2, NM_001284313.2 and 3 more transcripts).
Identifiers: ClinVar variation 676772 (VCV000676772.4), dbSNP rs186968338, ClinGen allele CA157875596.
Genomic context (GRCh38, chr7:44,065,693, plus strand): 5'-TGCCAATCAGCATTCCAGGCGGTGGCAGGTGACCAGTAGCTGAGCTGCTGGGGGCTGGGG[G>A]CCAGGGGAGTGTGCAGGCCAAGAGGCTGTGCTTAAAATAGCCCCACGCATCCACCAGCTC-3'